The following is an entry in ClinVar:

NM_002734.5(PRKAR1A):c.973+6T>C

Gene: PRKAR1A (protein kinase cAMP-dependent type I regulatory subunit alpha; plus strand). Cytogenetic location: 17q24.2.
Variant type: single nucleotide variant.
Coding change: c.973+6T>C on transcript NM_002734.5 (MANE Select); 6 bases into the intron after coding-DNA position 973, T replaced by C.
Molecular consequence: intron variant.
Genome position (GRCh38, 1-based): chr17:68,530,007, T>C. VCF-style: chr17-68530007-T-C. GRCh37 (hg19) VCF-style: chr17-66526148-T-C.
Other names: c.973+6T>C (NM_001278433.2, NM_001369389.1, NM_212471.3 and 4 more transcripts).
Identifiers: ClinVar variation 1933743 (VCV001933743.5), dbSNP rs2509443973, ClinGen allele CA2580095074.

ClinVar aggregate classification (germline): Uncertain significance (1 of 4 stars; one submission).

Conditions:
Carney complex, type 1 (CNC1). Also called: CARNEY COMPLEX, TYPE I; CARNEY MYXOMA-ENDOCRINE COMPLEX. Identifiers: Orphanet 1359, MedGen C2607929, MONDO:0008057, OMIM 160980.

Submission:

Labcorp Genetics (formerly Invitae), Labcorp
Classification: Uncertain significance for Carney complex, type 1. Last evaluated: 2026-01-24. Review status: criteria provided, single submitter. Criteria: Invitae Variant Classification Sherloc (09022015). Collection method: clinical testing. Allele origin: germline.
Comment: This sequence change falls in intron 10 of the PRKAR1A gene. It does not directly change the encoded amino acid sequence of the PRKAR1A protein. It affects a nucleotide within the consensus splice site. This variant is not present in population databases (gnomAD no frequency). This variant has not been reported in the literature in individuals affected with PRKAR1A-related conditions. ClinVar contains an entry for this variant (Variation ID: 1933743). Variants that disrupt the consensus splice site are a relatively common cause of aberrant splicing (PMID: 17576681, 9536098). Algorithms developed to predict the effect of sequence changes on RNA splicing suggest that this variant is not likely to affect RNA splicing. In summary, the available evidence is currently insufficient to determine the role of this variant in disease. Therefore, it has been classified as a Variant of Uncertain Significance.

Literature cited by the submitters: PubMed 17576681; PubMed 9536098.